The following is an entry in ClinVar:

ClinVar aggregate classification (germline): Conflicting classifications of pathogenicity. Review status: criteria provided, conflicting classifications (1 of 4 stars). 7 submissions from 7 submitters: Uncertain significance (6); Likely benign (1). Last evaluated 2025-04-11.

Conditions:
Hereditary cancer-predisposing syndrome. Also called: Hereditary neoplastic syndrome; Neoplastic Syndromes, Hereditary; Tumor predisposition; Hereditary Cancer Syndrome. Identifiers: Orphanet 140162, MedGen C0027672, MeSH D009386, MONDO:0015356.
Hereditary breast ovarian cancer syndrome. Also called: Hereditary breast and ovarian cancer syndrome (HBOC); Breast and ovarian cancer; Hereditary breast and/or ovarian cancer syndrome; BRCA1- and BRCA2-Associated Hereditary Breast and Ovarian Cancer; Hereditary breast and ovarian cancer syndrome; Hereditary breast and ovarian cancer. Identifiers: Orphanet 145, MedGen C0677776, MeSH D061325, MONDO:0003582. Disease mechanism: loss of function.

gnomAD v4.1: 24 of 1,614,156 alleles (0.0015%); highest among the groups gnomAD compares: Non-Finnish European, 0.002%; no homozygotes.

Submissions (7):

Labcorp Genetics (formerly Invitae), Labcorp
Classification: Likely benign for Hereditary breast ovarian cancer syndrome. Last evaluated: 2025-04-11. Review status: criteria provided, single submitter. Criteria: Invitae Variant Classification Sherloc (09022015). Collection method: clinical testing. Allele origin: germline.

Ambry Genetics
Classification: Uncertain significance for Hereditary cancer-predisposing syndrome. Last evaluated: 2024-05-08. Review status: criteria provided, single submitter. Criteria: Ambry Variant Classification Scheme 2023. Collection method: clinical testing. Allele origin: germline.
Comment: The p.L2647V variant (also known as c.7939C>G), located in coding exon 16 of the BRCA2 gene, results from a C to G substitution at nucleotide position 7939. The leucine at codon 2647 is replaced by valine, an amino acid with highly similar properties. This amino acid position is highly conserved in available vertebrate species. In addition, this alteration is predicted to be deleterious by in silico analysis. Since supporting evidence is limited at this time, the clinical significance of this alteration remains unclear.

Quest Diagnostics Nichols Institute San Juan Capistrano
Classification: Uncertain significance. Last evaluated: 2024-05-01. Review status: criteria provided, single submitter. Criteria: Quest Diagnostics criteria. Collection method: clinical testing. Allele origin: unknown.
Comment: The BRCA2 c.7939C>G (p.Leu2647Val) variant has been reported in the published literature in an individual with early-onset breast cancer (PMID: 27273131 (2016)) and a reportedly healthy individual (PMID: 33471991 (2021), see also LOVD). This variant has not been reported in large, multi-ethnic general populations (Genome Aggregation Database). Analysis of this variant using bioinformatics tools for the prediction of the effect of amino acid changes on protein structure and function yielded predictions that this variant is damaging. Based on the available information, we are unable to determine the clinical significance of this variant.

Women's Health and Genetics/Laboratory Corporation of America, LabCorp
Classification: Uncertain significance. Last evaluated: 2024-04-11. Review status: criteria provided, single submitter. Criteria: LabCorp Variant Classification Summary - May 2015. Collection method: clinical testing. Allele origin: germline.
Comment: Variant summary: BRCA2 c.7939C>G (p.Leu2647Val) results in a conservative amino acid change located in the Breast cancer type 2 susceptibility protein, helical domain (IPR015252) of the encoded protein sequence. Four of five in-silico tools predict a damaging effect of the variant on protein function. The variant allele was found at a frequency of 1.6e-05 in 1461876 control chromosomes (gnomAD database v4.0.0). This frequency is not significantly higher than estimated for a pathogenic variant in BRCA2 causing Hereditary Breast And Ovarian Cancer Syndrome (1.6e-05 vs 0.00075), allowing no conclusion about variant significance. c.7939C>G has been reported in the literature in at-least one individual affected with female breast cancer and authors classified the variant as VUS (example: Byers_2016). These report(s) do not provide unequivocal conclusions about association of the variant with Hereditary Breast And Ovarian Cancer Syndrome. To our knowledge, no experimental evidence demonstrating an impact on protein function has been reported. The following publication have been ascertained in the context of this evaluation (PMID: 27273131). ClinVar contains an entry for this variant (Variation ID: 186112). Based on the evidence outlined above, the variant was classified as uncertain significance.

GeneDx
Classification: Uncertain significance. Last evaluated: 2023-09-28. Review status: criteria provided, single submitter. Criteria: GeneDx Variant Classification Process June 2021. Collection method: clinical testing. Allele origin: germline. Affected: yes.
Comment: Identified in a high-risk breast cancer family (Byers et al., 2016); Published functional studies demonstrate no impact on splicing (Byers et al., 2016); Not observed at significant frequency in large population cohorts (gnomAD); In silico analysis supports that this missense variant does not alter protein structure/function; Also known as 8167C>G; This variant is associated with the following publications: (PMID: 12228710, 27273131)

Color Diagnostics, LLC DBA Color Health
Classification: Uncertain significance for Hereditary cancer-predisposing syndrome. Last evaluated: 2023-06-02. Review status: criteria provided, single submitter. Criteria: ACMG Guidelines, 2015. Collection method: clinical testing. Allele origin: germline.
Comment: This missense variant replaces leucine with valine at codon 2647 in the DNA binding domain of the BRCA2 protein. Computational prediction is inconclusive regarding the impact of this variant on protein structure and function (internally defined REVEL score threshold 0.5 < inconclusive < 0.7, PMID: 27666373). This variant has been reported to be functional in a haploidized cell proliferation assay (PMID: 35190686). This variant has been reported in an individual affected with breast cancer and in an unaffected individual (PMID: 27273131, 33471991; Leiden Open Variation Database DB-ID BRCA2_003789). This variant has not been identified in the general population by the Genome Aggregation Database (gnomAD). A different missense variant at the same amino acid position, p.Leu2647Pro, is considered to be disease-causing (ClinVar variation ID: 52443), suggesting that leucine at this position is important for BRCA2 function. The available evidence is insufficient to determine the role of this variant in disease conclusively. Therefore, this variant is classified as a Variant of Uncertain Significance.

Eurofins Ntd Llc (ga)
Classification: Uncertain significance. Last evaluated: 2018-03-07. Review status: criteria provided, single submitter. Criteria: EGL ClinVar v180209 classification definitions. Collection method: clinical testing. Allele origin: germline. Observed: 1 variant allele, 1 heterozygote.

Literature cited by the submitters: PubMed 18451181 (cited by Ambry Genetics); PubMed 21990134 (cited by Ambry Genetics); PubMed 23108138 (cited by Ambry Genetics); PubMed 24323938 (cited by Ambry Genetics); PubMed 27273131 (cited by 4 submitters); PubMed 29394989 (cited by Ambry Genetics); PubMed 29884841 (cited by Ambry Genetics and Quest Diagnostics Nichols Institute San Juan Capistrano); PubMed 33471991 (cited by Quest Diagnostics Nichols Institute San Juan Capistrano and Color Diagnostics, LLC DBA Color Health); PubMed 35190686 (cited by Color Diagnostics, LLC DBA Color Health).

NM_000059.4(BRCA2):c.7939C>G (p.Leu2647Val)

Gene: BRCA2 (BRCA2 DNA repair associated; plus strand). Cytogenetic location: 13q13.1.
Variant type: single nucleotide variant.
Coding change: c.7939C>G on transcript NM_000059.4 (MANE Select); coding-DNA position 7939, C replaced by G.
Protein change: p.Leu2647Val; replaces leucine 2647 with valine.
Molecular consequence: missense variant.
Genome position (GRCh38, 1-based): chr13:32,362,656, C>G. VCF-style: chr13-32362656-C-G. GRCh37 (hg19) VCF-style: chr13-32936793-C-G.
Other names: short protein forms L2647V.
Identifiers: ClinVar variation 186112 (VCV000186112.29), dbSNP rs778391123, ClinGen allele CA025345.